The following is an entry in ClinVar:

NM_000238.4(KCNH2):c.35A>T (p.Asn12Ile)

Gene: KCNH2 (potassium voltage-gated channel subfamily H member 2; minus strand). Cytogenetic location: 7q36.1.
Variant type: single nucleotide variant.
Coding change: c.35A>T on transcript NM_000238.4 (MANE Select); coding-DNA position 35, A replaced by T.
Protein change: p.Asn12Ile; replaces asparagine 12 with isoleucine.
Molecular consequence: missense variant. On other transcripts: non-coding transcript variant (1).
Genome position (GRCh38, 1-based): chr7:150,977,879, T>A on the plus strand (A>T on the coding strand, the complement: KCNH2 is on the minus strand). VCF-style: chr7-150977879-T-A. GRCh37 (hg19) VCF-style: chr7-150674967-T-A.
Other names: c.35A>T, p.Asn12Ile (NM_172056.3); short protein forms N12I.
Identifiers: ClinVar variation 3073936 (VCV003073936.1), dbSNP rs2486167328, ClinGen allele CA369866723.

ClinVar aggregate classification (germline): Uncertain significance (1 of 4 stars; one submission).

Conditions:
Long QT syndrome (LQTS). Identifiers: MedGen C0023976, MeSH D008133, MONDO:0002442. Disease mechanism: loss of function. Inheritance: Various modes of inheritance.

Submission:

All of Us Research Program, National Institutes of Health
Classification: Uncertain significance for Long QT syndrome. Last evaluated: 2023-11-30. Review status: criteria provided, single submitter. Criteria: ACMG Guidelines, 2015. Collection method: clinical testing. Allele origin: germline. Inheritance: Autosomal dominant inheritance. Observed: 1 variant allele, 1 heterozygote.
Comment: This study involves interpretation of variants in research participants for the purpose of population health screening. Participant phenotype was not available at the time of variant classification. Additional details can be found in publication PMID: 35346344, PMCID: PMC8962531